The following is an entry in ClinVar:

NM_000553.6(WRN):c.3640C>T (p.Pro1214Ser)

Gene: WRN (WRN RecQ like helicase; plus strand). Cytogenetic location: 8p12.
Variant type: single nucleotide variant.
Coding change: c.3640C>T on transcript NM_000553.6 (MANE Select); coding-DNA position 3640, C replaced by T.
Protein change: p.Pro1214Ser; replaces proline 1214 with serine.
Molecular consequence: missense variant.
Genome position (GRCh38, 1-based): chr8:31,150,408, C>T. VCF-style: chr8-31150408-C-T. GRCh37 (hg19) VCF-style: chr8-31007924-C-T.
Other names: short protein forms P1214S.
Identifiers: ClinVar variation 656883 (VCV000656883.3), dbSNP rs371980000, ClinGen allele CA370927857.
Genomic context (GRCh38, chr8:31,150,408, plus strand): 5'-ACGGTTGAAAACGTAAAAAGGATTGATGGTGTTTCTGAAGGCAAAGCTGCCATGTTGGCC[C>T]CTCTGTTGGAAGTCATCAAACATTTCTGCCAAACAAATAGTGTTCAGGTAAAATACTGTG-3'
Protein context (NP_000544.2, residues 1204-1224): VSEGKAAMLA[Pro1214Ser]LLEVIKHFCQ

ClinVar aggregate classification (germline): Uncertain significance (1 of 4 stars; one submission).

Conditions:
Werner syndrome (WRN). Identifiers: Orphanet 902, MedGen C0043119, MONDO:0010196, OMIM 277700.

gnomAD v4.1: 3 of 1,614,044 alleles (0.00019%); highest among the groups gnomAD compares: African/African-American, 0.004%; no homozygotes.

Submission:

Labcorp Genetics (formerly Invitae), Labcorp
Classification: Uncertain significance for Werner syndrome. Last evaluated: 2022-10-18. Review status: criteria provided, single submitter. Criteria: Invitae Variant Classification Sherloc (09022015). Collection method: clinical testing. Allele origin: germline.
Comment: This sequence change replaces proline, which is neutral and non-polar, with serine, which is neutral and polar, at codon 1214 of the WRN protein (p.Pro1214Ser). This variant is not present in population databases (gnomAD no frequency). This variant has not been reported in the literature in individuals affected with WRN-related conditions. ClinVar contains an entry for this variant (Variation ID: 656883). Algorithms developed to predict the effect of missense changes on protein structure and function output the following: SIFT: "Not Available"; PolyPhen-2: "Possibly Damaging"; Align-GVGD: "Not Available". The serine amino acid residue is found in multiple mammalian species, which suggests that this missense change does not adversely affect protein function. In summary, the available evidence is currently insufficient to determine the role of this variant in disease. Therefore, it has been classified as a Variant of Uncertain Significance.